The following is an entry in ClinVar:

ClinVar aggregate classification (germline): Conflicting classifications of pathogenicity. Review status: criteria provided, conflicting classifications (1 of 4 stars). 3 submissions from 3 submitters: Uncertain significance (1); Benign (1). 1 of the submissions does not count toward it. Last evaluated 2026-09-01.

Conditions:
Autism (AUTS). Also called: Autistic disorder; Autistic disorder of childhood onset. Identifiers: MedGen C0004352, MeSH D001321, MONDO:0005260, OMIM 209850, HP:0000717.

Allele frequency attached by ClinVar (database versions not stated): 1000 Genomes Project 0.00220; 1000 Genomes Project 30x 0.00344; ExAC 0.00493; gnomAD exomes 0.00689 and 0.00878; TOPMed 0.00707; gnomAD 0.00779; ESP Exome Variant Server 0.00810.
gnomAD v4.1: 6,093 of 718,584 alleles (0.85%); highest among the groups gnomAD compares: Non-Finnish European, 1.2%; 38 homozygotes.

Submissions (3):

CeGaT Center for Human Genetics Tuebingen
Classification: Benign. Last evaluated: 2026-09-01. Review status: criteria provided, single submitter. Criteria: CeGaT Center For Human Genetics Tuebingen Variant Classification Criteria Version 2. Collection method: clinical testing. Allele origin: germline. Affected: yes. Observed: 30 variant alleles.
Comment: SHANK2: BS1, BS2

Breakthrough Genomics
Classification: Uncertain significance. Review status: criteria provided, single submitter. Criteria: ACMG Guidelines, 2015. Collection method: not provided. Allele origin: germline. Inheritance: Unknown mechanism. Affected: yes.

Genetics Laboratory, Facudade de Medicina de Sao Jose do Rio Preto
Classification: Uncertain significance for Autism. Last evaluated: 2016-01-01. Review status: no assertion criteria provided. Collection method: research. Allele origin: unknown. Affected: yes. Observed: 5 variant alleles. Not counted in ClinVar's aggregate classification.

NM_012309.5(SHANK2):c.1706G>A (p.Arg569His)

Gene: SHANK2 (SH3 and multiple ankyrin repeat domains 2; minus strand). Cytogenetic location: 11q13.4.
Variant type: single nucleotide variant.
Coding change: c.1706G>A on transcript NM_012309.5 (MANE Select); coding-DNA position 1706, G replaced by A.
Protein change: p.Arg569His; replaces arginine 569 with histidine.
Molecular consequence: missense variant.
Genome position (GRCh38, 1-based): chr11:70,798,514, C>T on the plus strand (G>A on the coding strand, the complement: SHANK2 is on the minus strand). VCF-style: chr11-70798514-C-T. GRCh37 (hg19) VCF-style: chr11-70644619-C-T.
Other names: c.569G>A, p.Arg190His (NM_001379226.1); short protein forms R569H, R190H.
Identifiers: ClinVar variation 437878 (VCV000437878.28), dbSNP rs146580493, ClinGen allele CA6161773.